The following is an entry in ClinVar:

ClinVar aggregate classification (germline): Pathogenic. Review status: criteria provided, multiple submitters, no conflicts (2 of 4 stars). 2 submissions from 2 submitters: Pathogenic (2). Last evaluated 2026-07-17.

Conditions:
Joubert syndrome. Also called: JOUBERT-BOLTSHAUSER SYNDROME; Familial aplasia of the vermis. Identifiers: Orphanet 475, MedGen C5979921, MONDO:0018772.
INPP5E-related disorder. Also called: INPP5E-related condition.

Submissions (2):

PreventionGenetics, part of Exact Sciences
Classification: Pathogenic for INPP5E-related condition. Last evaluated: 2026-07-17. Review status: criteria provided, single submitter. Criteria: ACMG Guidelines, 2015. Collection method: clinical testing. Allele origin: germline.
Comment: The INPP5E c.1784_1787delTGAG variant is predicted to result in a frameshift and premature protein termination (p.Val595Glyfs*21). This variant has been reported with another INPP5E variant in an individual with symptoms of Joubert syndrome (Table S1, Vilboux et al. 2017. PubMed ID: 28125082). This variant has not been reported in a large population database (gnomAD), indicating this variant is rare. Frameshift variants in INPP5E are expected to be pathogenic. This variant is interpreted as pathogenic.

Labcorp Genetics (formerly Invitae), Labcorp
Classification: Pathogenic for Joubert syndrome. Last evaluated: 2026-01-21. Review status: criteria provided, single submitter. Criteria: Invitae Variant Classification Sherloc (09022015). Collection method: clinical testing. Allele origin: germline.
Comment: This sequence change creates a premature translational stop signal (p.Val595Glyfs*21) in the INPP5E gene. While this is not anticipated to result in nonsense mediated decay, it is expected to disrupt the last 50 amino acid(s) of the INPP5E protein. This variant is not present in population databases (gnomAD no frequency). This premature translational stop signal has been observed in individual(s) with Joubert syndrome (PMID: 28125082). This variant disrupts a region of the INPP5E protein in which other variant(s) (p.Gln627*) have been determined to be pathogenic (PMID: 19668215). This suggests that this is a clinically significant region of the protein, and that variants that disrupt it are likely to be disease-causing. For these reasons, this variant has been classified as Pathogenic.

Literature cited by the submitters: PubMed 28125082 (cited by Labcorp Genetics (formerly Invitae), Labcorp); PubMed 19668215 (cited by Labcorp Genetics (formerly Invitae), Labcorp).

NM_019892.6(INPP5E):c.1784_1787del (p.Val595fs)

Gene: INPP5E (inositol polyphosphate-5-phosphatase E; minus strand). Cytogenetic location: 9q34.3.
Variant type: Deletion.
Coding change: c.1784_1787del on transcript NM_019892.6 (MANE Select); coding-DNA positions 1784 to 1787, 4 bases deleted (TGAG; older notation c.1784_1787delTGAG).
Protein change: p.Val595fs; shifts the reading frame from valine 595.
Molecular consequence: frameshift variant.
Genome position (GRCh38, 1-based): chr9:136,430,292-136,430,295, CTCA deleted on the plus strand (TGAG on the coding strand, the reverse complement: INPP5E is on the minus strand); deleting any 4 consecutive bases within chr9:136,430,292-136,430,297 gives the same sequence; the c. name uses the placement nearest the transcript's 3' end. VCF-style (leftmost placement, unchanged base first): chr9-136430291-CCTCA-C. GRCh37 (hg19) VCF-style: chr9-139324743-CCTCA-C.
Other names: c.1784_1787delTGAG (NM_019892.5); c.1781_1784del, p.Val594fs (NM_001318502.2); short protein forms V594fs, V595fs.
Identifiers: ClinVar variation 4705386 (VCV004705386.2).